The following is an entry in ClinVar:

ClinVar aggregate classification (germline): Likely benign (1 of 4 stars; one submission).

Allele frequency attached by ClinVar (database versions not stated): ESP Exome Variant Server 0.00077; TOPMed 0.00116; gnomAD 0.00169; gnomAD exomes 0.00208; 1000 Genomes Project 30x 0.00219; ExAC 0.00221; 1000 Genomes Project 0.00240.

Submission:

CeGaT Center for Human Genetics Tuebingen
Classification: Likely benign. Last evaluated: 2023-03-01. Review status: criteria provided, single submitter. Criteria: CeGaT Center For Human Genetics Tuebingen Variant Classification Criteria Version 2. Collection method: clinical testing. Allele origin: germline. Affected: yes. Observed: 1 variant allele.
Comment: TRIM17: BP4, BP7, BS2

NM_016102.4(TRIM17):c.315C>T (p.Pro105=)

Gene: TRIM17 (tripartite motif containing 17; minus strand). Cytogenetic location: 1q42.13.
Variant type: single nucleotide variant.
Coding change: c.315C>T on transcript NM_016102.4 (MANE Select); coding-DNA position 315, C replaced by T.
Protein change: p.Pro105=; no amino-acid change (proline 105 retained).
Molecular consequence: synonymous variant.
Genome position (GRCh38, 1-based): chr1:228,414,758, G>A on the plus strand (C>T on the coding strand, the complement: TRIM17 is on the minus strand). VCF-style: chr1-228414758-G-A. GRCh37 (hg19) VCF-style: chr1-228602459-G-A.
Other names: c.315C>T, p.Pro105= (NM_001024940.3, NM_001134855.2).
Identifiers: ClinVar variation 2640059 (VCV002640059.24), dbSNP rs142505325, ClinGen allele CA1441190.
Genomic context (GRCh38, chr1:228,414,758, plus strand): 5'-CCGGGACTCCCTGCACACCACACAGATGGGGCTCTGGTCCTTCTGGCAGAAAAGCTTGAG[G>A]GGCTCGTGGTGCTCCTGGCACAGGTCTTGCTTCTGCAGACCAGGATGCTGCTGCGCCATC-3'
Protein context (NP_057186.1, residues 95-115): KQDLCQEHHE[Pro105=]LKLFCQKDQS